The following is an entry in ClinVar:

ClinVar aggregate classification (germline): Uncertain significance (1 of 4 stars; one submission).

Allele frequency attached by ClinVar (database versions not stated): gnomAD exomes below 0.00001; TOPMed below 0.00001.
gnomAD v4.1: 3 of 1,613,908 alleles (0.00019%); highest among the groups gnomAD compares: Non-Finnish European, 0.00025%; no homozygotes.

Submission:

Labcorp Genetics (formerly Invitae), Labcorp
Classification: Uncertain significance. Last evaluated: 2025-04-02. Review status: criteria provided, single submitter. Criteria: Invitae Variant Classification Sherloc (09022015). Collection method: clinical testing. Allele origin: germline.
Comment: This sequence change replaces threonine, which is neutral and polar, with isoleucine, which is neutral and non-polar, at codon 540 of the ABL1 protein (p.Thr540Ile). This variant is not present in population databases (gnomAD no frequency). This variant has not been reported in the literature in individuals affected with ABL1-related conditions. ClinVar contains an entry for this variant (Variation ID: 2875374). Invitae Evidence Modeling of protein sequence and biophysical properties (such as structural, functional, and spatial information, amino acid conservation, physicochemical variation, residue mobility, and thermodynamic stability) indicates that this missense variant is not expected to disrupt ABL1 protein function with a negative predictive value of 95%. In summary, the available evidence is currently insufficient to determine the role of this variant in disease. Therefore, it has been classified as a Variant of Uncertain Significance.

NM_005157.6(ABL1):c.1562C>T (p.Thr521Ile)

Gene: ABL1 (ABL proto-oncogene 1, non-receptor tyrosine kinase; plus strand). Cytogenetic location: 9q34.12.
Variant type: single nucleotide variant.
Coding change: c.1562C>T on transcript NM_005157.6 (MANE Select); coding-DNA position 1562, C replaced by T.
Protein change: p.Thr521Ile; replaces threonine 521 with isoleucine.
Molecular consequence: missense variant.
Genome position (GRCh38, 1-based): chr9:130,880,548, C>T. VCF-style: chr9-130880548-C-T. GRCh37 (hg19) VCF-style: chr9-133755935-C-T.
Other names: c.1619C>T, p.Thr540Ile (NM_007313.3); short protein forms T521I, T540I.
Identifiers: ClinVar variation 2875374 (VCV002875374.3), dbSNP rs1831434159, ClinGen allele CA375251851.
Genomic context (GRCh38, chr9:130,880,548, plus strand): 5'-TATGATTCTTAGAAGTGGAAAAGGAGCTGGGGAAACAAGGCGTCCGTGGGGCTGTGAGTA[C>T]CTTGCTGCAGGCCCCAGAGCTGCCCACCAAGACGAGGACCTCCAGGAGAGCTGCAGAGCA-3'
Protein context (NP_005148.2, residues 511-531): GKQGVRGAVS[Thr521Ile]LLQAPELPTK